The following is an entry in ClinVar:

NM_000059.4(BRCA2):c.994_995del (p.Ile332fs)

Gene: BRCA2 (BRCA2 DNA repair associated; plus strand). Cytogenetic location: 13q13.1.
Variant type: Deletion.
Coding change: c.994_995del on transcript NM_000059.4 (MANE Select); coding-DNA positions 994 to 995, 2 bases deleted (AT; older notation c.994_995delAT).
Protein change: p.Ile332fs; shifts the reading frame from isoleucine 332.
Molecular consequence: frameshift variant.
Genome position (GRCh38, 1-based): chr13:32,332,472-32,332,473, AT deleted. VCF-style (leftmost placement, unchanged base first): chr13-32332471-AAT-A. GRCh37 (hg19) VCF-style: chr13-32906608-AAT-A.
Other names: c.994_995delAT, p.Ile332Phefs (NM_001406719.1, NM_001406720.1, NM_001406721.1); short protein forms I332fs.
Identifiers: ClinVar variation 1768682 (VCV001768682.2), dbSNP rs2548519301, ClinGen allele CA2580087193.

ClinVar aggregate classification (germline): Pathogenic (1 of 4 stars; one submission).

Conditions:
Hereditary cancer-predisposing syndrome. Also called: Hereditary Cancer Syndrome; Hereditary neoplastic syndrome; Neoplastic Syndromes, Hereditary; Tumor predisposition. Identifiers: Orphanet 140162, MedGen C0027672, MeSH D009386, MONDO:0015356.

Submission:

Ambry Genetics
Classification: Pathogenic for Hereditary cancer-predisposing syndrome. Last evaluated: 2020-09-30. Review status: criteria provided, single submitter. Criteria: Ambry Variant Classification Scheme 2023. Collection method: clinical testing. Allele origin: germline.
Comment: The c.994_995delAT pathogenic mutation, located in coding exon 9 of the BRCA2 gene, results from a deletion of two nucleotides at nucleotide positions 994 to 995, causing a translational frameshift with a predicted alternate stop codon (p.I332Ffs*3). This variant was not reported in population-based cohorts in the Genome Aggregation Database (gnomAD). This alteration is expected to result in loss of function by premature protein truncation or nonsense-mediated mRNA decay. As such, this alteration is interpreted as a disease-causing mutation.